The following is an entry in ClinVar:

ClinVar aggregate classification (germline): Likely pathogenic (1 of 4 stars; one submission).

Conditions:
Vanishing white matter disease. Also called: CACH syndrome; Leukoencephalopathy with vanishing white matter; CACH/VWM syndrome; Childhood ataxia with diffuse central nervous system hypomyelination; Cree leukoencehalopathy. Identifiers: Orphanet 135, Orphanet 99853, MedGen C1858991, MONDO:0800448.

Submission:

Human Genetics Unit, University Of Colombo
Classification: Likely pathogenic for Leukoencephalopathy with vanishing white matter 1. Last evaluated: 2018-07-05. Review status: criteria provided, single submitter. Criteria: ACMG Guidelines, 2015. Collection method: clinical testing. Allele origin: germline. Inheritance: Autosomal recessive inheritance. Affected: yes. Observed: 1 homozygote.
Comment: This mutation is not found in global population frequency databases or in our internal exome database. This variant is located in an area of the EIF2B4 gene that is highly conserved in different species of animals during evolution and it causes a non-conservative substitution of amino acids. According to ACMG criteria (2015), this variant can be classified as likely pathogenic.

Literature cited by the submitters: DOI 10.1155/2018/2731039.

NM_001034116.2(EIF2B4):c.551C>T (p.Pro184Leu)

Gene: EIF2B4 (eukaryotic translation initiation factor 2B subunit delta; minus strand). Cytogenetic location: 2p23.3.
Variant type: single nucleotide variant.
Coding change: c.551C>T on transcript NM_001034116.2 (MANE Select); coding-DNA position 551, C replaced by T.
Protein change: p.Pro184Leu; replaces proline 184 with leucine.
Molecular consequence: missense variant. On other transcripts: 5 prime UTR variant (2).
Genome position (GRCh38, 1-based): chr2:27,368,411, G>A on the plus strand (C>T on the coding strand, the complement: EIF2B4 is on the minus strand). VCF-style: chr2-27368411-G-A. GRCh37 (hg19) VCF-style: chr2-27591278-G-A.
Other names: c.614C>T, p.Pro205Leu (NM_001318965.2); c.506C>T, p.Pro169Leu (NM_001318966.2); c.458C>T, p.Pro153Leu (NM_001318967.2); c.-35C>T (NM_001318968.2); c.-42C>T (NM_001318969.2); c.548C>T, p.Pro183Leu (NM_015636.4); c.611C>T, p.Pro204Leu (NM_172195.4); short protein forms P153L, P169L, P183L, P184L, P204L, P205L.
Identifiers: ClinVar variation 978266 (VCV000978266.3), dbSNP rs1682025430, ClinGen allele CA346200904.